The following is an entry in ClinVar:

NM_000460.4(THPO):c.281G>A (p.Gly94Glu)

Gene: THPO (thrombopoietin; minus strand). Cytogenetic location: 3q27.1.
Variant type: single nucleotide variant.
Coding change: c.281G>A on transcript NM_000460.4 (MANE Select); coding-DNA position 281, G replaced by A.
Protein change: p.Gly94Glu; replaces glycine 94 with glutamic acid.
Molecular consequence: missense variant.
Genome position (GRCh38, 1-based): chr3:184,373,530, C>T on the plus strand (G>A on the coding strand, the complement: THPO is on the minus strand). VCF-style: chr3-184373530-C-T. GRCh37 (hg19) VCF-style: chr3-184091318-C-T.
Other names: p.Gly94Glu; c.281G>A, p.Gly94Glu (NM_001177597.2, NM_001177598.2, NM_001289997.1 and 5 more transcripts); c.701G>A, p.Gly234Glu (NM_001290003.1); short protein forms G234E, G94E.
Identifiers: ClinVar variation 3379522 (VCV003379522.1).

ClinVar aggregate classification (germline): Uncertain significance (1 of 4 stars; one submission).

gnomAD v4.1: 1 of 1,614,020 alleles (0.000062%); highest among the groups gnomAD compares: Non-Finnish European, 0.000085%; no homozygotes.

Submission:

Mayo Clinic Laboratories, Mayo Clinic
Classification: Uncertain significance. Last evaluated: 2023-10-06. Review status: criteria provided, single submitter. Criteria: ACMG Guidelines, 2015. Collection method: clinical testing. Allele origin: germline. Observed: 1 variant allele.
Comment: PM1, PM2_moderate